The following is an entry in ClinVar:

NM_000268.4(NF2):c.76A>T (p.Ile26Phe)

Gene: NF2 (NF2, moesin-ezrin-radixin like (MERLIN) tumor suppressor; plus strand). Cytogenetic location: 22q12.2.
Variant type: single nucleotide variant.
Coding change: c.76A>T on transcript NM_000268.4 (MANE Select); coding-DNA position 76, A replaced by T.
Protein change: p.Ile26Phe; replaces isoleucine 26 with phenylalanine.
Molecular consequence: missense variant. On other transcripts: non-coding transcript variant (1).
Genome position (GRCh38, 1-based): chr22:29,604,074, A>T. VCF-style: chr22-29604074-A-T. GRCh37 (hg19) VCF-style: chr22-30000063-A-T.
Other names: c.-155A>T (NM_001407053.1, NM_001407056.1); c.76A>T, p.Ile26Phe (NM_001407054.1, NM_001407055.1, NM_001407057.1 and 15 more transcripts); c.-565A>T (NM_001407065.1); c.-181A>T (NM_001407067.1); short protein forms I26F.
Identifiers: ClinVar variation 1760200 (VCV001760200.2), dbSNP rs2064716753, ClinGen allele CA411146109.

ClinVar aggregate classification (germline): Uncertain significance (1 of 4 stars; one submission).

Conditions:
Hereditary cancer-predisposing syndrome. Also called: Neoplastic Syndromes, Hereditary; Tumor predisposition; Hereditary Cancer Syndrome; Hereditary neoplastic syndrome. Identifiers: Orphanet 140162, MedGen C0027672, MeSH D009386, MONDO:0015356.

Submission:

Ambry Genetics
Classification: Uncertain significance for Hereditary cancer-predisposing syndrome. Last evaluated: 2022-10-02. Review status: criteria provided, single submitter. Criteria: Ambry Variant Classification Scheme 2023. Collection method: clinical testing. Allele origin: germline.
Comment: The p.I26F variant (also known as c.76A>T), located in coding exon 1 of the NF2 gene, results from an A to T substitution at nucleotide position 76. The isoleucine at codon 26 is replaced by phenylalanine, an amino acid with highly similar properties. This amino acid position is conserved. In addition, the in silico prediction for this alteration is inconclusive. Since supporting evidence is limited at this time, the clinical significance of this alteration remains unclear.